The following is an entry in ClinVar:

ClinVar aggregate classification (germline): Uncertain significance (1 of 4 stars; one submission).

gnomAD v4.1: 1 of 1,593,622 alleles (0.000063%); no homozygotes.

Submission:

Labcorp Genetics (formerly Invitae), Labcorp
Classification: Uncertain significance. Last evaluated: 2024-10-22. Review status: criteria provided, single submitter. Criteria: Invitae Variant Classification Sherloc (09022015). Collection method: clinical testing. Allele origin: germline.
Comment: This sequence change falls in intron 5 of the RXYLT1 gene. It does not directly change the encoded amino acid sequence of the RXYLT1 protein. It affects a nucleotide within the consensus splice site. This variant is not present in population databases (gnomAD no frequency). This variant has not been reported in the literature in individuals affected with RXYLT1-related conditions. ClinVar contains an entry for this variant (Variation ID: 1947264). Variants that disrupt the consensus splice site are a relatively common cause of aberrant splicing (PMID: 17576681, 9536098). Algorithms developed to predict the effect of sequence changes on RNA splicing suggest that this variant is not likely to affect RNA splicing. In summary, the available evidence is currently insufficient to determine the role of this variant in disease. Therefore, it has been classified as a Variant of Uncertain Significance.

Literature cited by the submitters: PubMed 17576681; PubMed 9536098.

NM_014254.3(RXYLT1):c.915-3T>C

Gene: RXYLT1 (ribitol xylosyltransferase 1; plus strand). Cytogenetic location: 12q14.2.
Variant type: single nucleotide variant.
Coding change: c.915-3T>C on transcript NM_014254.3 (MANE Select); 3 bases into the intron before coding-DNA position 915, T replaced by C.
Molecular consequence: intron variant.
Genome position (GRCh38, 1-based): chr12:63,808,672, T>C. VCF-style: chr12-63808672-T-C. GRCh37 (hg19) VCF-style: chr12-64202452-T-C.
Other names: c.135-3T>C (NM_001278237.2).
Identifiers: ClinVar variation 1947264 (VCV001947264.4), dbSNP rs2500533127, ClinGen allele CA2580086622.